The following is an entry in ClinVar:

ClinVar aggregate classification (germline): Uncertain significance (1 of 4 stars; one submission).

Conditions:
Hereditary cancer-predisposing syndrome. Also called: Hereditary neoplastic syndrome; Hereditary Cancer Syndrome; Neoplastic Syndromes, Hereditary; Tumor predisposition. Identifiers: Orphanet 140162, MedGen C0027672, MeSH D009386, MONDO:0015356.

Submission:

Ambry Genetics
Classification: Uncertain significance for Hereditary cancer-predisposing syndrome. Last evaluated: 2023-04-13. Review status: criteria provided, single submitter. Criteria: Ambry Variant Classification Scheme 2023. Collection method: clinical testing. Allele origin: germline.
Comment: The p.H1126Y variant (also known as c.3376C>T), located in coding exon 13 of the PALB2 gene, results from a C to T substitution at nucleotide position 3376. The histidine at codon 1126 is replaced by tyrosine, an amino acid with similar properties. This amino acid position is conserved. In addition, this alteration is predicted to be tolerated by in silico analysis. Since supporting evidence is limited at this time, the clinical significance of this alteration remains unclear.

NM_024675.4(PALB2):c.3376C>T (p.His1126Tyr)

Gene: PALB2 (partner and localizer of BRCA2; minus strand). Cytogenetic location: 16p12.2.
Variant type: single nucleotide variant.
Coding change: c.3376C>T on transcript NM_024675.4 (MANE Select); coding-DNA position 3376, C replaced by T.
Protein change: p.His1126Tyr; replaces histidine 1126 with tyrosine.
Molecular consequence: missense variant. On other transcripts: 3 prime UTR variant (5).
Genome position (GRCh38, 1-based): chr16:23,603,644, G>A on the plus strand (C>T on the coding strand, the complement: PALB2 is on the minus strand). VCF-style: chr16-23603644-G-A. GRCh37 (hg19) VCF-style: chr16-23614965-G-A.
Other names: c.3316C>T, p.His1106Tyr (NM_001407296.1); c.3304C>T, p.His1102Tyr (NM_001407297.1); c.3214C>T, p.His1072Tyr (NM_001407298.1); c.3139C>T, p.His1047Tyr (NM_001407299.1); c.3097C>T, p.His1033Tyr (NM_001407300.1); c.*11C>T (NM_001407301.1, NM_001407302.1, NM_001407310.1 and 2 more transcripts); c.2491C>T, p.His831Tyr (NM_001407304.1, NM_001407305.1, NM_001407306.1); c.2329C>T, p.His777Tyr (NM_001407307.1); and 3 more; short protein forms H1126Y, H530Y, H1072Y, H831Y, H1047Y, H304Y, H752Y, H1033Y.
Identifiers: ClinVar variation 2567571 (VCV002567571.2), dbSNP rs2142255133, ClinGen allele CA395138314.